The following is an entry in ClinVar:

NM_006031.6(PCNT):c.2529G>T (p.Pro843=)

Gene: PCNT (pericentrin; plus strand). Cytogenetic location: 21q22.3.
Variant type: single nucleotide variant.
Coding change: c.2529G>T on transcript NM_006031.6 (MANE Select); coding-DNA position 2529, G replaced by T.
Protein change: p.Pro843=; no amino-acid change (proline 843 retained).
Molecular consequence: synonymous variant.
Genome position (GRCh38, 1-based): chr21:46,363,854, G>T. VCF-style: chr21-46363854-G-T. GRCh37 (hg19) VCF-style: chr21-47783769-G-T.
Other names: c.2175G>T, p.Pro725= (NM_001315529.2); c.2529G>T (NM_006031.5).
Identifiers: ClinVar variation 2882069 (VCV002882069.4), dbSNP rs111690390, ClinGen allele CA513173465.

ClinVar aggregate classification (germline): Likely benign. Review status: criteria provided, multiple submitters, no conflicts (2 of 4 stars). 2 submissions from 2 submitters: Likely benign (2). Last evaluated 2025-08-24.

Conditions:
PCNT-related disorder. Also called: PCNT-related condition.

Submissions (2):

PreventionGenetics, part of Exact Sciences
Classification: Likely benign for PCNT-related condition. Last evaluated: 2025-08-24. Review status: criteria provided, single submitter. Criteria: ACMG Guidelines, 2015. Collection method: clinical testing. Allele origin: germline.
Comment: This variant is classified as likely benign based on ACMG/AMP sequence variant interpretation guidelines (Richards et al. 2015 PMID: 25741868, with internal and published modifications).

Labcorp Genetics (formerly Invitae), Labcorp
Classification: Likely benign. Last evaluated: 2023-01-17. Review status: criteria provided, single submitter. Criteria: Invitae Variant Classification Sherloc (09022015). Collection method: clinical testing. Allele origin: germline.